The following is an entry in ClinVar:

ClinVar aggregate classification (germline): Likely benign. Review status: criteria provided, multiple submitters, no conflicts (2 of 4 stars). 3 submissions from 3 submitters: Likely benign (3). Last evaluated 2025-09-05.

Conditions:
Dilated cardiomyopathy 1G (CMD1G). Identifiers: Orphanet 154, MedGen C1858763, MONDO:0011400, OMIM 604145.
Autosomal recessive limb-girdle muscular dystrophy type 2J (LGMDR10). Also called: Limb-girdle muscular dystrophy, type 2J; MUSCULAR DYSTROPHY, LIMB-GIRDLE, AUTOSOMAL RECESSIVE 10. Identifiers: Orphanet 140922, MedGen C1837342, MONDO:0012127, OMIM 608807.
Cardiovascular phenotype. Identifiers: MedGen CN230736.

Allele frequency attached by ClinVar (database versions not stated): gnomAD 0.00001; TOPMed 0.00002.
gnomAD v4.1: 1 of 1,613,374 alleles (0.000062%); highest among the groups gnomAD compares: Admixed American, 0.0017%; no homozygotes.

Submissions (3):

Labcorp Genetics (formerly Invitae), Labcorp
Classification: Likely benign for Dilated cardiomyopathy 1G; Autosomal recessive limb-girdle muscular dystrophy type 2J. Last evaluated: 2025-09-05. Review status: criteria provided, single submitter. Criteria: Invitae Variant Classification Sherloc (09022015). Collection method: clinical testing. Allele origin: germline.

Ambry Genetics
Classification: Likely benign for Cardiovascular phenotype. Last evaluated: 2024-06-09. Review status: criteria provided, single submitter. Criteria: Ambry Variant Classification Scheme 2023. Collection method: clinical testing. Allele origin: germline.

GeneDx
Classification: Likely benign. Last evaluated: 2017-07-05. Review status: criteria provided, single submitter. Criteria: GeneDx Variant Classification (06012015). Collection method: clinical testing. Allele origin: germline. Affected: yes.
Comment: This variant is considered likely benign or benign based on one or more of the following criteria: it is a conservative change, it occurs at a poorly conserved position in the protein, it is predicted to be benign by multiple in silico algorithms, and/or has population frequency not consistent with disease.

NM_001267550.2(TTN):c.91422T>C (p.Thr30474=)

Genes: TTN (titin; minus strand), TTN-AS1 (TTN antisense RNA 1; plus strand). Cytogenetic location: 2q31.2.
Variant type: single nucleotide variant.
Coding change: c.91422T>C on transcript NM_001267550.2 (MANE Select); coding-DNA position 91422, T replaced by C.
Protein change: p.Thr30474=; no amino-acid change (threonine 30474 retained).
Molecular consequence: synonymous variant.
Genome position (GRCh38, 1-based): chr2:178,551,109, A>G on the plus strand (T>C on the coding strand, the complement: TTN is on the minus strand). VCF-style: chr2-178551109-A-G. GRCh37 (hg19) VCF-style: chr2-179415836-A-G.
Other names: c.86499T>C, p.Thr28833= (NM_001256850.1); c.64227T>C, p.Thr21409= (NM_003319.4); c.83718T>C, p.Thr27906= (NM_133378.4); c.64602T>C, p.Thr21534= (NM_133432.3); c.64803T>C, p.Thr21601= (NM_133437.4).
Identifiers: ClinVar variation 510691 (VCV000510691.3), dbSNP rs1403627000, ClinGen allele CA430103787.